The following is an entry in ClinVar:

NM_001458.5(FLNC):c.671A>C (p.Gln224Pro)

Gene: FLNC (filamin C; plus strand). Cytogenetic location: 7q32.1.
Variant type: single nucleotide variant.
Coding change: c.671A>C on transcript NM_001458.5 (MANE Select); coding-DNA position 671, A replaced by C.
Protein change: p.Gln224Pro; replaces glutamine 224 with proline.
Molecular consequence: missense variant.
Genome position (GRCh38, 1-based): chr7:128,837,229, A>C. VCF-style: chr7-128837229-A-C. GRCh37 (hg19) VCF-style: chr7-128477283-A-C.
Other names: c.671A>C, p.Gln224Pro (NM_001127487.2); short protein forms Q224P.
Identifiers: ClinVar variation 3754451 (VCV003754451.2).

ClinVar aggregate classification (germline): Uncertain significance (1 of 4 stars; one submission).

Conditions:
Myofibrillar myopathy 5. Also called: Filaminopathy (type); FILAMINOPATHY, AUTOSOMAL DOMINANT. Identifiers: Orphanet 171445, MedGen C1836050, MONDO:0012289, OMIM 609524.
Distal myopathy with posterior leg and anterior hand involvement. Also called: WILLIAMS DISTAL MYOPATHY. Identifiers: Orphanet 63273, MedGen C3279722, MONDO:0013550, OMIM 614065.
Hypertrophic cardiomyopathy 26. Also called: Cardiomyopathy, familial hypertrophic, 26. Identifiers: Orphanet 75249, MedGen C4310749, MONDO:0014883, OMIM 617047.

Submission:

Labcorp Genetics (formerly Invitae), Labcorp
Classification: Uncertain significance for Distal myopathy with posterior leg and anterior hand involvement; Myofibrillar myopathy 5; Hypertrophic cardiomyopathy 26. Last evaluated: 2024-02-06. Review status: criteria provided, single submitter. Criteria: Invitae Variant Classification Sherloc (09022015). Collection method: clinical testing. Allele origin: germline.
Comment: This sequence change replaces glutamine, which is neutral and polar, with proline, which is neutral and non-polar, at codon 224 of the FLNC protein (p.Gln224Pro). This variant is not present in population databases (gnomAD no frequency). This variant has not been reported in the literature in individuals affected with FLNC-related conditions. Advanced modeling of protein sequence and biophysical properties (such as structural, functional, and spatial information, amino acid conservation, physicochemical variation, residue mobility, and thermodynamic stability) has been performed at Invitae for this missense variant, however the output from this modeling did not meet the statistical confidence thresholds required to predict the impact of this variant on FLNC protein function. In summary, the available evidence is currently insufficient to determine the role of this variant in disease. Therefore, it has been classified as a Variant of Uncertain Significance.